The following is an entry in ClinVar:

NM_001384732.1(CPLANE1):c.5623A>G (p.Ile1875Val)

Gene: CPLANE1 (ciliogenesis and planar polarity effector complex subunit 1; minus strand). Cytogenetic location: 5p13.2.
Variant type: single nucleotide variant.
Coding change: c.5623A>G on transcript NM_001384732.1 (MANE Select); coding-DNA position 5623, A replaced by G.
Protein change: p.Ile1875Val; replaces isoleucine 1875 with valine.
Molecular consequence: missense variant.
Genome position (GRCh38, 1-based): chr5:37,180,131, T>C on the plus strand (A>G on the coding strand, the complement: CPLANE1 is on the minus strand). VCF-style: chr5-37180131-T-C. GRCh37 (hg19) VCF-style: chr5-37180233-T-C.
Other names: c.5623A>G, p.Ile1875Val (NM_023073.4); short protein forms I1875V.
Identifiers: ClinVar variation 1429117 (VCV001429117.8), dbSNP rs769707371, ClinGen allele CA3238493.

ClinVar aggregate classification (germline): Uncertain significance (1 of 4 stars; one submission).

Allele frequency attached by ClinVar (database versions not stated): gnomAD exomes below 0.00001; ExAC 0.00001.
gnomAD v4.1: 2 of 1,547,786 alleles (0.00013%); highest among the groups gnomAD compares: Middle Eastern, 0.017%; no homozygotes.

Submission:

Labcorp Genetics (formerly Invitae), Labcorp
Classification: Uncertain significance. Last evaluated: 2024-03-04. Review status: criteria provided, single submitter. Criteria: Invitae Variant Classification Sherloc (09022015). Collection method: clinical testing. Allele origin: germline.
Comment: This sequence change replaces isoleucine, which is neutral and non-polar, with valine, which is neutral and non-polar, at codon 1875 of the CPLANE1 protein (p.Ile1875Val). This variant is present in population databases (rs769707371, gnomAD 0.007%). This variant has not been reported in the literature in individuals affected with CPLANE1-related conditions. ClinVar contains an entry for this variant (Variation ID: 1429117). Advanced modeling of protein sequence and biophysical properties (such as structural, functional, and spatial information, amino acid conservation, physicochemical variation, residue mobility, and thermodynamic stability) performed at Invitae indicates that this missense variant is not expected to disrupt CPLANE1 protein function with a negative predictive value of 95%. In summary, the available evidence is currently insufficient to determine the role of this variant in disease. Therefore, it has been classified as a Variant of Uncertain Significance.